The following is an entry in ClinVar:

ClinVar aggregate classification (germline): Likely benign. Review status: criteria provided, multiple submitters, no conflicts (2 of 4 stars). 3 submissions from 3 submitters: Likely benign (3). Last evaluated 2025-06-30.

Conditions:
Hypercholesterolemia, autosomal dominant, type B (FHCL2). Also called: Familial hypercholesterolemia 2; Familial Hypercholesterolemia Type B; APOLIPOPROTEIN B-100, FAMILIAL DEFECTIVE; APOLIPOPROTEIN B-100, FAMILIAL LIGAND-DEFECTIVE; HYPERCHOLESTEROLEMIA, FAMILIAL, DUE TO LIGAND-DEFECTIVE APOLIPOPROTEIN B; APOB-Related Familial Hypercholesterolemia, Autosomal Dominant. Identifiers: MedGen C1704417, MONDO:0007751, OMIM 144010.
Familial hypobetalipoproteinemia 1. Also called: Hypobetalipoproteinemia, normotriglyceridemic; Acanthocytosis with hypobetalipoproteinemia; APOB-Related Familial Hypobetalipoproteinemia. Identifiers: MedGen C4551990, MONDO:0014252, OMIM 615558.
Cardiovascular phenotype. Identifiers: MedGen CN230736.
Familial hypercholesterolemia. Also called: Familial hypercholesterolaemia; Familial hypercholesterolemias. Identifiers: MedGen C0020445, MONDO:0005439.

Allele frequency attached by ClinVar (database versions not stated): gnomAD exomes 0.00004 and 0.00006; ExAC 0.00007; gnomAD 0.00008 and 0.00009; TOPMed 0.00009.
gnomAD v4.1: 65 of 1,613,936 alleles (0.004%); highest among the groups gnomAD compares: Admixed American, 0.03%; no homozygotes.

Submissions (3):

Labcorp Genetics (formerly Invitae), Labcorp
Classification: Likely benign for Familial hypobetalipoproteinemia 1; Hypercholesterolemia, autosomal dominant, type B. Last evaluated: 2025-06-30. Review status: criteria provided, single submitter. Criteria: Invitae Variant Classification Sherloc (09022015). Collection method: clinical testing. Allele origin: germline.

GENinCode PLC
Classification: Likely benign for Familial hypercholesterolemia. Last evaluated: 2024-05-20. Review status: criteria provided, single submitter. Criteria: ACMG Guidelines, 2015. Collection method: clinical testing. Allele origin: germline.
Comment: This is a synonymous (silent) variant that is not predicted by SpliceAI to impact splicing. In addition, it occurs at a nucleotide that is not conserved. Therefore this variant has been classified as Likely Benign (BP4, BP7).

Ambry Genetics
Classification: Likely benign for Cardiovascular phenotype. Last evaluated: 2022-08-24. Review status: criteria provided, single submitter. Criteria: Ambry Variant Classification Scheme 2023. Collection method: clinical testing. Allele origin: germline.

NM_000384.3(APOB):c.2160C>T (p.Tyr720=)

Gene: APOB (apolipoprotein B; minus strand). Cytogenetic location: 2p24.1.
Variant type: single nucleotide variant.
Coding change: c.2160C>T on transcript NM_000384.3 (MANE Select); coding-DNA position 2160, C replaced by T.
Protein change: p.Tyr720=; no amino-acid change (tyrosine 720 retained).
Molecular consequence: synonymous variant.
Genome position (GRCh38, 1-based): chr2:21,026,872, G>A on the plus strand (C>T on the coding strand, the complement: APOB is on the minus strand). VCF-style: chr2-21026872-G-A. GRCh37 (hg19) VCF-style: chr2-21249744-G-A.
Identifiers: ClinVar variation 334170 (VCV000334170.23), dbSNP rs756184175, ClinGen allele CA055453.